The following is an entry in ClinVar:

ClinVar aggregate classification (germline): Uncertain significance (1 of 4 stars; one submission).

Submission:

GeneDx
Classification: Uncertain significance. Last evaluated: 2022-10-19. Review status: criteria provided, single submitter. Criteria: GeneDx Variant Classification Process June 2021. Collection method: clinical testing. Allele origin: germline. Affected: yes.
Comment: Not observed at significant frequency in large population cohorts (gnomAD); In silico analysis supports that this missense variant has a deleterious effect on protein structure/function; Has not been previously published as pathogenic or benign to our knowledge.

NM_016148.5(SHANK1):c.466T>C (p.Tyr156His)

Gene: SHANK1 (SH3 and multiple ankyrin repeat domains 1; minus strand). Cytogenetic location: 19q13.33.
Variant type: single nucleotide variant.
Coding change: c.466T>C on transcript NM_016148.5 (MANE Select); coding-DNA position 466, T replaced by C.
Protein change: p.Tyr156His; replaces tyrosine 156 with histidine.
Molecular consequence: missense variant.
Genome position (GRCh38, 1-based): chr19:50,715,724, A>G on the plus strand (T>C on the coding strand, the complement: SHANK1 is on the minus strand). VCF-style: chr19-50715724-A-G. GRCh37 (hg19) VCF-style: chr19-51218981-A-G.
Other names: short protein forms Y156H.
Identifiers: ClinVar variation 2499732 (VCV002499732.1), dbSNP rs2513971485, ClinGen allele CA406995006.